The following is an entry in ClinVar:

ClinVar aggregate classification (germline): Uncertain significance (1 of 4 stars; one submission).

gnomAD v4.1: 22 of 1,614,058 alleles (0.0014%); highest among the groups gnomAD compares: African/African-American, 0.0027%; no homozygotes.

Submission:

Labcorp Genetics (formerly Invitae), Labcorp
Classification: Uncertain significance. Last evaluated: 2025-06-01. Review status: criteria provided, single submitter. Criteria: Invitae Variant Classification Sherloc (09022015). Collection method: clinical testing. Allele origin: germline.
Comment: This sequence change replaces glutamic acid, which is acidic and polar, with lysine, which is basic and polar, at codon 1038 of the ANK1 protein (p.Glu1038Lys). This variant is present in population databases (rs150407107, gnomAD 0.003%). This variant has not been reported in the literature in individuals affected with ANK1-related conditions. Invitae Evidence Modeling of protein sequence and biophysical properties (such as structural, functional, and spatial information, amino acid conservation, physicochemical variation, residue mobility, and thermodynamic stability) has been performed for this missense variant. However, the output from this modeling did not meet the statistical confidence thresholds required to predict the impact of this variant on ANK1 protein function. In summary, the available evidence is currently insufficient to determine the role of this variant in disease. Therefore, it has been classified as a Variant of Uncertain Significance.

NM_000037.4(ANK1):c.3112G>A (p.Glu1038Lys)

Gene: ANK1 (ankyrin 1; minus strand). Cytogenetic location: 8p11.21.
Variant type: single nucleotide variant.
Coding change: c.3112G>A on transcript NM_000037.4 (MANE Select); coding-DNA position 3112, G replaced by A.
Protein change: p.Glu1038Lys; replaces glutamic acid 1038 with lysine.
Molecular consequence: missense variant.
Genome position (GRCh38, 1-based): chr8:41,695,180, C>T on the plus strand (G>A on the coding strand, the complement: ANK1 is on the minus strand). VCF-style: chr8-41695180-C-T. GRCh37 (hg19) VCF-style: chr8-41552698-C-T.
Other names: c.3235G>A, p.Glu1079Lys (NM_001142446.2); c.3112G>A, p.Glu1038Lys (NM_020475.3, NM_020476.3, NM_020477.3); short protein forms E1038K, E1079K.
Identifiers: ClinVar variation 4692437 (VCV004692437.1).